The following is an entry in ClinVar:

NM_014714.4(IFT140):c.895G>T (p.Ala299Ser)

Genes: IFT140 (intraflagellar transport 140; minus strand), LOC105371046 (uncharacterized LOC105371046; plus strand). Cytogenetic location: 16p13.3.
Variant type: single nucleotide variant.
Coding change: c.895G>T on transcript NM_014714.4 (MANE Select); coding-DNA position 895, G replaced by T.
Protein change: p.Ala299Ser; replaces alanine 299 with serine.
Molecular consequence: missense variant.
Genome position (GRCh38, 1-based): chr16:1,587,940, C>A on the plus strand (G>T on the coding strand, the complement: IFT140 is on the minus strand). VCF-style: chr16-1587940-C-A. GRCh37 (hg19) VCF-style: chr16-1637941-C-A.
Other names: short protein forms A299S.
Identifiers: ClinVar variation 2000112 (VCV002000112.4), dbSNP rs2507887939, ClinGen allele CA394217434.

ClinVar aggregate classification (germline): Uncertain significance (1 of 4 stars; one submission).

Conditions:
Saldino-Mainzer syndrome (SRTD9). Also called: CONORENAL SYNDROME; Renal dysplasia, retinal pigmentary dystrophy, cerebellar ataxia and skeletal dysplasia; SHORT-RIB THORACIC DYSPLASIA 9 WITHOUT POLYDACTYLY; short-rib thoracic dysplasia 9 with or without polydactyly. Identifiers: Orphanet 140969, MedGen C1849437, MONDO:0009964, OMIM 266920.

Allele frequency attached by ClinVar (database versions not stated): gnomAD exomes below 0.00001.
gnomAD v4.1: 1 of 1,610,382 alleles (0.000062%); highest among the groups gnomAD compares: African/African-American, 0.0013%; no homozygotes.

Submission:

Labcorp Genetics (formerly Invitae), Labcorp
Classification: Uncertain significance for Saldino-Mainzer syndrome. Last evaluated: 2022-05-28. Review status: criteria provided, single submitter. Criteria: Invitae Variant Classification Sherloc (09022015). Collection method: clinical testing. Allele origin: germline.
Comment: This sequence change replaces alanine, which is neutral and non-polar, with serine, which is neutral and polar, at codon 299 of the IFT140 protein (p.Ala299Ser). This variant is not present in population databases (gnomAD no frequency). This variant has not been reported in the literature in individuals affected with IFT140-related conditions. Algorithms developed to predict the effect of missense changes on protein structure and function (SIFT, PolyPhen-2, Align-GVGD) all suggest that this variant is likely to be tolerated. In summary, the available evidence is currently insufficient to determine the role of this variant in disease. Therefore, it has been classified as a Variant of Uncertain Significance.